The following is an entry in ClinVar:

NM_001038603.3(MARVELD2):c.508C>T (p.Arg170Ter)

Gene: MARVELD2 (MARVEL domain containing 2; plus strand). Cytogenetic location: 5q13.2.
Variant type: single nucleotide variant.
Coding change: c.508C>T on transcript NM_001038603.3 (MANE Select); coding-DNA position 508, C replaced by T.
Protein change: p.Arg170Ter; replaces arginine 170 with a stop codon.
Molecular consequence: nonsense.
Genome position (GRCh38, 1-based): chr5:69,419,893, C>T. VCF-style: chr5-69419893-C-T. GRCh37 (hg19) VCF-style: chr5-68715720-C-T.
Other names: c.508C>T, p.Arg170Ter (NM_001244734.2); c.508C>T (NM_001038603.2); short protein forms R170*.
Identifiers: ClinVar variation 2981512 (VCV002981512.4), dbSNP rs149942219, ClinGen allele CA3294065.

ClinVar aggregate classification (germline): Conflicting classifications of pathogenicity. Review status: criteria provided, conflicting classifications (1 of 4 stars). 2 submissions from 2 submitters: Pathogenic (1); Uncertain significance (1). Last evaluated 2025-01-22.

Allele frequency attached by ClinVar (database versions not stated): ExAC 0.00004; gnomAD 0.00007; ESP Exome Variant Server 0.00008; 1000 Genomes Project 30x 0.00016; 1000 Genomes Project 0.00020.
gnomAD v4.1: 33 of 1,614,096 alleles (0.002%); highest among the groups gnomAD compares: African/African-American, 0.013%; no homozygotes.

Submissions (2):

GeneDx
Classification: Uncertain significance. Last evaluated: 2025-01-22. Review status: criteria provided, single submitter. Criteria: GeneDx Variant Classification Process June 2021. Collection method: clinical testing. Allele origin: germline. Affected: yes.
Comment: Nonsense variant predicted to result in protein truncation or nonsense mediated decay in a gene for which loss of function is a known mechanism of disease; Has not been previously published as pathogenic or benign in association with a MARVELD2-related disorder to our knowledge; This variant is associated with the following publications: (PMID: 31345219, 17186462)

Labcorp Genetics (formerly Invitae), Labcorp
Classification: Pathogenic. Last evaluated: 2024-03-18. Review status: criteria provided, single submitter. Criteria: Invitae Variant Classification Sherloc (09022015). Collection method: clinical testing. Allele origin: germline.
Comment: This sequence change creates a premature translational stop signal (p.Arg170*) in the MARVELD2 gene. It is expected to result in an absent or disrupted protein product. Loss-of-function variants in MARVELD2 are known to be pathogenic (PMID: 17186462). This variant is present in population databases (rs149942219, gnomAD 0.02%). This variant has not been reported in the literature in individuals affected with MARVELD2-related conditions. For these reasons, this variant has been classified as Pathogenic.

Literature cited by the submitters: PubMed 17186462 (cited by Labcorp Genetics (formerly Invitae), Labcorp).